The following is an entry in ClinVar:

NM_012108.4(STAP1):c.654G>C (p.Glu218Asp)

Gene: STAP1 (signal transducing adaptor family member 1; plus strand). Cytogenetic location: 4q13.2.
Variant type: single nucleotide variant.
Coding change: c.654G>C on transcript NM_012108.4 (MANE Select); coding-DNA position 654, G replaced by C.
Protein change: p.Glu218Asp; replaces glutamic acid 218 with aspartic acid.
Molecular consequence: missense variant.
Genome position (GRCh38, 1-based): chr4:67,583,697, G>C. VCF-style: chr4-67583697-G-C. GRCh37 (hg19) VCF-style: chr4-68449415-G-C.
Other names: c.654G>C, p.Glu218Asp (NM_001317769.2); short protein forms E218D.
Identifiers: ClinVar variation 1754152 (VCV001754152.3), dbSNP rs1040729052, ClinGen allele CA357053545.

ClinVar aggregate classification (germline): Uncertain significance (1 of 4 stars; one submission).

Allele frequency attached by ClinVar (database versions not stated): gnomAD exomes below 0.00001; gnomAD 0.00001; TOPMed 0.00001.
gnomAD v4.1: 4 of 1,608,902 alleles (0.00025%); highest among the groups gnomAD compares: African/African-American, 0.004%; no homozygotes.

Submission:

Ambry Genetics
Classification: Uncertain significance. Last evaluated: 2024-06-09. Review status: criteria provided, single submitter. Criteria: Ambry Variant Classification Scheme 2023. Collection method: clinical testing. Allele origin: germline.
Comment: The p.E218D variant (also known as c.654G>C), located in coding exon 6 of the STAP1 gene, results from a G to C substitution at nucleotide position 654. The glutamic acid at codon 218 is replaced by aspartic acid, an amino acid with highly similar properties. This amino acid position is conserved. In addition, this alteration is predicted to be tolerated by in silico analysis. Since supporting evidence is limited at this time, the clinical significance of this alteration remains unclear.